The following is an entry in ClinVar:

ClinVar aggregate classification (germline): Uncertain significance (1 of 4 stars; one submission).

Conditions:
Leukocyte adhesion deficiency 3. Also called: INTEGRIN ACTIVATION DEFICIENCY DISEASE; LEUKOCYTE ADHESION DEFICIENCY 1 VARIANT; Leukocyte adhesion deficiency, type III. Identifiers: Orphanet 2968, Orphanet 99844, MedGen C2748536, MONDO:0013016, OMIM 612840.

Allele frequency attached by ClinVar (database versions not stated): gnomAD exomes 0.00001; ExAC 0.00002; gnomAD 0.00002.

Submission:

Labcorp Genetics (formerly Invitae), Labcorp
Classification: Uncertain significance for Leukocyte adhesion deficiency 3. Last evaluated: 2024-05-23. Review status: criteria provided, single submitter. Criteria: Invitae Variant Classification Sherloc (09022015). Collection method: clinical testing. Allele origin: germline.
Comment: This sequence change replaces glycine, which is neutral and non-polar, with arginine, which is basic and polar, at codon 244 of the FERMT3 protein (p.Gly244Arg). This variant is present in population databases (rs770702307, gnomAD 0.004%). This variant has not been reported in the literature in individuals affected with FERMT3-related conditions. ClinVar contains an entry for this variant (Variation ID: 1906549). Advanced modeling of protein sequence and biophysical properties (such as structural, functional, and spatial information, amino acid conservation, physicochemical variation, residue mobility, and thermodynamic stability) performed at Invitae indicates that this missense variant is not expected to disrupt FERMT3 protein function with a negative predictive value of 80%. In summary, the available evidence is currently insufficient to determine the role of this variant in disease. Therefore, it has been classified as a Variant of Uncertain Significance.

NM_031471.6(FERMT3):c.730G>A (p.Gly244Arg)

Gene: FERMT3 (FERM domain containing kindlin 3; plus strand). Cytogenetic location: 11q13.1.
Variant type: single nucleotide variant.
Coding change: c.730G>A on transcript NM_031471.6 (MANE Select); coding-DNA position 730, G replaced by A.
Protein change: p.Gly244Arg; replaces glycine 244 with arginine.
Molecular consequence: missense variant.
Genome position (GRCh38, 1-based): chr11:64,211,691, G>A. VCF-style: chr11-64211691-G-A. GRCh37 (hg19) VCF-style: chr11-63979163-G-A.
Other names: c.730G>A, p.Gly244Arg (NM_001382361.1, NM_001382362.1, NM_001382448.1 and 1 more transcripts); c.190G>A, p.Gly64Arg (NM_001382363.1, NM_001382364.1); short protein forms G244R, G64R.
Identifiers: ClinVar variation 1906549 (VCV001906549.5), dbSNP rs770702307, ClinGen allele CA6068875.